The following is an entry in ClinVar:

ClinVar aggregate classification (germline): Uncertain significance (1 of 4 stars; one submission).

gnomAD v4.1: 1 of 1,614,092 alleles (0.000062%); highest among the groups gnomAD compares: Non-Finnish European, 0.000085%; no homozygotes.

Submission:

Labcorp Genetics (formerly Invitae), Labcorp
Classification: Uncertain significance. Last evaluated: 2025-06-18. Review status: criteria provided, single submitter. Criteria: Invitae Variant Classification Sherloc (09022015). Collection method: clinical testing. Allele origin: germline.
Comment: This sequence change replaces glutamine, which is neutral and polar, with arginine, which is basic and polar, at codon 426 of the CSF1R protein (p.Gln426Arg). This variant is not present in population databases (gnomAD no frequency). This variant has not been reported in the literature in individuals affected with CSF1R-related conditions. Invitae Evidence Modeling of protein sequence and biophysical properties (such as structural, functional, and spatial information, amino acid conservation, physicochemical variation, residue mobility, and thermodynamic stability) indicates that this missense variant is not expected to disrupt CSF1R protein function with a negative predictive value of 95%. In summary, the available evidence is currently insufficient to determine the role of this variant in disease. Therefore, it has been classified as a Variant of Uncertain Significance.

NM_001288705.3(CSF1R):c.1277A>G (p.Gln426Arg)

Gene: CSF1R (colony stimulating factor 1 receptor; minus strand). Cytogenetic location: 5q32.
Variant type: single nucleotide variant.
Coding change: c.1277A>G on transcript NM_001288705.3 (MANE Select); coding-DNA position 1277, A replaced by G.
Protein change: p.Gln426Arg; replaces glutamine 426 with arginine.
Molecular consequence: missense variant. On other transcripts: non-coding transcript variant (2).
Genome position (GRCh38, 1-based): chr5:150,070,224, T>C on the plus strand (A>G on the coding strand, the complement: CSF1R is on the minus strand). VCF-style: chr5-150070224-T-C. GRCh37 (hg19) VCF-style: chr5-149449787-T-C.
Other names: c.1277A>G, p.Gln426Arg (NM_001349736.2, NM_001375320.1, NM_005211.4); c.833A>G, p.Gln278Arg (NM_001375321.1); short protein forms Q278R, Q426R.
Identifiers: ClinVar variation 4806248 (VCV004806248.1).